The following is an entry in ClinVar:

ClinVar aggregate classification (germline): Conflicting classifications of pathogenicity. Review status: criteria provided, conflicting classifications (1 of 4 stars). 2 submissions from 2 submitters: Likely pathogenic (1); Uncertain significance (1). Last evaluated 2021-07-06.

Conditions:
Deafness-lymphedema-leukemia syndrome. Also called: Lymphedema, primary, with myelodysplasia; Emberger syndrome. Identifiers: Orphanet 3226, MedGen C3279664, MONDO:0013540, OMIM 614038.
GATA2 deficiency with susceptibility to MDS/AML. Identifiers: MedGen CN300066, MONDO:0042982.

Submissions (2):

Molecular Pathology Research Laboratory, SA Pathology
Classification: Likely pathogenic for GATA2 deficiency with susceptibility to MDS/AML; Deafness-lymphedema-leukemia syndrome. Last evaluated: 2021-07-06. Review status: criteria provided, single submitter. Criteria: ACMG Guidelines, 2015. Collection method: curation. Allele origin: unknown. Inheritance: Autosomal dominant inheritance. Affected: yes. Observed: 1 variant allele.
Comment: PS4_Supporting, PM1, PM2, PP3

PreventionGenetics, part of Exact Sciences
Classification: Uncertain significance. Last evaluated: 2016-04-12. Review status: criteria provided, single submitter. Criteria: ACMG Guidelines, 2015. Collection method: clinical testing. Allele origin: germline.

Literature cited by the submitters: PubMed 32088370 (cited by Molecular Pathology Research Laboratory, SA Pathology).

NM_032638.5(GATA2):c.1052A>G (p.Asn351Ser)

Gene: GATA2 (GATA binding protein 2; minus strand). Cytogenetic location: 3q21.3.
Variant type: single nucleotide variant.
Coding change: c.1052A>G on transcript NM_032638.5 (MANE Select); coding-DNA position 1052, A replaced by G.
Protein change: p.Asn351Ser; replaces asparagine 351 with serine.
Molecular consequence: missense variant. On other transcripts: intron variant (1).
Genome position (GRCh38, 1-based): chr3:128,481,910, T>C on the plus strand (A>G on the coding strand, the complement: GATA2 is on the minus strand). VCF-style: chr3-128481910-T-C. GRCh37 (hg19) VCF-style: chr3-128200753-T-C.
Other names: c.1052A>G, p.Asn351Ser (NM_001145661.2); c.1018-8A>G (NM_001145662.1); short protein forms N351S.
Identifiers: ClinVar variation 800676 (VCV000800676.3), dbSNP rs1576745252, ClinGen allele CA354413641.